The following is an entry in ClinVar:

ClinVar aggregate classification (germline): Likely benign (1 of 4 stars; one submission).

gnomAD v4.1: 28 of 1,613,820 alleles (0.0017%); highest among the groups gnomAD compares: Non-Finnish European, 0.0022%; no homozygotes.

Submission:

CeGaT Center for Human Genetics Tuebingen
Classification: Likely benign. Last evaluated: 2026-05-01. Review status: criteria provided, single submitter. Criteria: CeGaT Center For Human Genetics Tuebingen Variant Classification Criteria Version 2. Collection method: clinical testing. Allele origin: germline. Affected: yes. Observed: 1 variant allele.
Comment: DNAH17: BP4, BP7

NM_173628.4(DNAH17):c.4920C>T (p.Tyr1640=)

Gene: DNAH17 (dynein axonemal heavy chain 17; minus strand). Cytogenetic location: 17q25.3.
Variant type: single nucleotide variant.
Coding change: c.4920C>T on transcript NM_173628.4 (MANE Select); coding-DNA position 4920, C replaced by T.
Protein change: p.Tyr1640=; no amino-acid change (tyrosine 1640 retained).
Molecular consequence: synonymous variant.
Genome position (GRCh38, 1-based): chr17:78,505,329, G>A on the plus strand (C>T on the coding strand, the complement: DNAH17 is on the minus strand). VCF-style: chr17-78505329-G-A. GRCh37 (hg19) VCF-style: chr17-76501411-G-A.
Identifiers: ClinVar variation 4872673 (VCV004872673.2).
Genomic context (GRCh38, chr17:78,505,329, plus strand): 5'-TGTGTGGTGTGCGCACACACTCACCTGCCCCGAGAGGTCGCATTCCTGATCAAAAACCAT[G>A]TACTCGTCCTCCTTGCTGTACATTCCCAGGCCCACCTTGAGAGGTTTGTCACTGGCATCG-3'
Protein context (NP_775899.3, residues 1630-1650): GLGMYSKEDE[Tyr1640=]MVFDQECDLS